The following is an entry in ClinVar:

NM_001613.4(ACTA2):c.523del (p.His175fs)

Gene: ACTA2 (actin alpha 2, smooth muscle; minus strand). Cytogenetic location: 10q23.31.
Variant type: Deletion.
Coding change: c.523del on transcript NM_001613.4 (MANE Select); coding-DNA position 523, one base deleted (C; older notation c.523delC).
Protein change: p.His175fs; shifts the reading frame from histidine 175.
Molecular consequence: frameshift variant.
Genome position (GRCh38, 1-based): chr10:88,941,322, G deleted on the plus strand (C on the coding strand, the reverse complement: ACTA2 is on the minus strand); the first of 4 consecutive G bases (chr10:88,941,322-88,941,325); deleting any one gives the same sequence. VCF-style (leftmost placement, unchanged base first): chr10-88941321-TG-T. GRCh37 (hg19) VCF-style: chr10-90701078-TG-T.
Other names: c.523del, p.His175fs (NM_001141945.3, NM_001320855.2, NM_001406462.1 and 3 more transcripts); c.412del, p.His138fs (NM_001406466.1); c.394del, p.His132fs (NM_001406467.1, NM_001406468.1, NM_001406469.1); short protein forms H175fs, H138fs, H132fs.
Identifiers: ClinVar variation 2863231 (VCV002863231.3), dbSNP rs1554841292, ClinGen allele CA2739275918.

ClinVar aggregate classification (germline): Uncertain significance (1 of 4 stars; one submission).

Conditions:
Aortic aneurysm, familial thoracic 6 (AAT6). Also called: FAMILIAL THORACIC AORTIC ANEURYSM WITH LIVEDO RETICULARIS AND IRIS FLOCCULI. Identifiers: MedGen C2673186, MONDO:0012730, OMIM 611788.

Submission:

Labcorp Genetics (formerly Invitae), Labcorp
Classification: Uncertain significance for Aortic aneurysm, familial thoracic 6. Last evaluated: 2023-06-06. Review status: criteria provided, single submitter. Criteria: Invitae Variant Classification Sherloc (09022015). Collection method: clinical testing. Allele origin: germline.
Comment: In summary, the available evidence is currently insufficient to determine the role of this variant in disease. Therefore, it has been classified as a Variant of Uncertain Significance. This variant has not been reported in the literature in individuals affected with ACTA2-related conditions. This variant is not present in population databases (gnomAD no frequency). This sequence change creates a premature translational stop signal (p.His175Metfs*18) in the ACTA2 gene. It is expected to result in an absent or disrupted protein product. However, the current clinical and genetic evidence is not sufficient to establish whether loss-of-function variants in ACTA2 cause disease.